The following is an entry in ClinVar:

ClinVar aggregate classification (germline): Uncertain significance (1 of 4 stars; one submission).

Conditions:
Brugada syndrome 8 (BRGDA8). Identifiers: Orphanet 130, MedGen C2751083, MONDO:0013148, OMIM 613123.

Submission:

Labcorp Genetics (formerly Invitae), Labcorp
Classification: Uncertain significance for Brugada syndrome 8. Last evaluated: 2025-07-04. Review status: criteria provided, single submitter. Criteria: Invitae Variant Classification Sherloc (09022015). Collection method: clinical testing. Allele origin: germline.
Comment: This variant, c.2895_2909del, results in the deletion of 5 amino acid(s) of the HCN4 protein (p.Arg966_Ser970del), but otherwise preserves the integrity of the reading frame. This variant is not present in population databases (gnomAD no frequency). This variant has not been reported in the literature in individuals affected with HCN4-related conditions. Experimental studies and prediction algorithms are not available or were not evaluated, and the functional significance of this variant is currently unknown. In summary, the available evidence is currently insufficient to determine the role of this variant in disease. Therefore, it has been classified as a Variant of Uncertain Significance.

NM_005477.3(HCN4):c.2895_2909del (p.Arg966_Ser970del)

Gene: HCN4 (hyperpolarization activated cyclic nucleotide gated potassium channel 4; minus strand). Cytogenetic location: 15q24.1.
Variant type: Deletion.
Coding change: c.2895_2909del on transcript NM_005477.3 (MANE Select); coding-DNA positions 2895 to 2909, 15 bases deleted (CAGATCCCCGTCATC).
Protein change: p.Arg966_Ser970del.
Molecular consequence: inframe deletion.
Genome position (GRCh38, 1-based): chr15:73,323,184-73,323,198, GATGACGGGGATCTG deleted on the plus strand (CAGATCCCCGTCATC on the coding strand, the reverse complement: HCN4 is on the minus strand); deleting any 15 consecutive bases within chr15:73,323,184-73,323,203 gives the same sequence; the c. name uses the placement nearest the transcript's 3' end. VCF-style (leftmost placement, unchanged base first): chr15-73323183-AGATGACGGGGATCTG-A. GRCh37 (hg19) VCF-style: chr15-73615524-AGATGACGGGGATCTG-A.
Identifiers: ClinVar variation 4729659 (VCV004729659.1).